The following is an entry in ClinVar:

ClinVar aggregate classification (germline): Uncertain significance. Review status: criteria provided, multiple submitters, no conflicts (2 of 4 stars). 2 submissions from 2 submitters: Uncertain significance (2). Last evaluated 2024-08-01.

Conditions:
Desbuquois dysplasia 1 (DBQD1). Also called: MICROMELIC DWARFISM WITH VERTEBRAL AND METAPHYSEAL ABNORMALITIES AND ADVANCED CARPOTARSAL OSSIFICATION; DESBUQUOIS DYSPLASIA 1, KIM VARIANT. Identifiers: Orphanet 1425, MedGen C4012146, MONDO:0009629, OMIM 251450.
Inborn genetic diseases. Identifiers: MedGen C0950123, MeSH D030342.

Allele frequency attached by ClinVar (database versions not stated): gnomAD 0.00001; TOPMed 0.00003; gnomAD exomes 0.00004 and 0.00006.
gnomAD v4.1: 6 of 1,107,406 alleles (0.00054%); highest among the groups gnomAD compares: Admixed American, 0.016%; no homozygotes.

Submissions (2):

Ambry Genetics
Classification: Uncertain significance for Inborn genetic diseases. Last evaluated: 2024-08-01. Review status: criteria provided, single submitter. Criteria: Ambry Variant Classification Scheme 2023. Collection method: clinical testing. Allele origin: germline.

Labcorp Genetics (formerly Invitae), Labcorp
Classification: Uncertain significance for Desbuquois dysplasia 1. Last evaluated: 2022-03-04. Review status: criteria provided, single submitter. Criteria: Invitae Variant Classification Sherloc (09022015). Collection method: clinical testing. Allele origin: germline.
Comment: This sequence change replaces serine, which is neutral and polar, with leucine, which is neutral and non-polar, at codon 16 of the XYLT1 protein (p.Ser16Leu). The frequency data for this variant in the population databases is considered unreliable, as metrics indicate poor data quality at this position in the gnomAD database. This variant has not been reported in the literature in individuals affected with XYLT1-related conditions. Algorithms developed to predict the effect of missense changes on protein structure and function are either unavailable or do not agree on the potential impact of this missense change (SIFT: "Tolerated"; PolyPhen-2: "Not Available"; Align-GVGD: "Class C0"). In summary, the available evidence is currently insufficient to determine the role of this variant in disease. Therefore, it has been classified as a Variant of Uncertain Significance.

NM_022166.4(XYLT1):c.47C>T (p.Ser16Leu)

Gene: XYLT1 (xylosyltransferase 1; minus strand). Cytogenetic location: 16p12.3.
Variant type: single nucleotide variant.
Coding change: c.47C>T on transcript NM_022166.4 (MANE Select); coding-DNA position 47, C replaced by T.
Protein change: p.Ser16Leu; replaces serine 16 with leucine.
Molecular consequence: missense variant.
Genome position (GRCh38, 1-based): chr16:17,470,750, G>A on the plus strand (C>T on the coding strand, the complement: XYLT1 is on the minus strand). VCF-style: chr16-17470750-G-A. GRCh37 (hg19) VCF-style: chr16-17564607-G-A.
Other names: c.47C>T (NM_022166.3); short protein forms S16L.
Identifiers: ClinVar variation 1378687 (VCV001378687.6), dbSNP rs1052524950, ClinGen allele CA279106540.